The following is an entry in ClinVar:

ClinVar aggregate classification (germline): Uncertain significance. Review status: criteria provided, multiple submitters, no conflicts (2 of 4 stars). 2 submissions from 2 submitters: Uncertain significance (2). Last evaluated 2025-07-03.

Conditions:
Charcot-Marie-Tooth disease type 2. Also called: Charcot-Marie-Tooth type 2. Identifiers: Orphanet 64746, MedGen C0270914, MONDO:0018993.

Allele frequency attached by ClinVar (database versions not stated): gnomAD exomes below 0.00001; ExAC 0.00001.
gnomAD v4.1: 7 of 1,613,974 alleles (0.00043%); highest among the groups gnomAD compares: Non-Finnish European, 0.00017%; no homozygotes.

Submissions (2):

Ambry Genetics
Classification: Uncertain significance. Last evaluated: 2025-07-03. Review status: criteria provided, single submitter. Criteria: Ambry Variant Classification Scheme 2023. Collection method: clinical testing. Allele origin: germline.
Comment: The p.M809L variant (also known as c.2425A>T), located in coding exon 23 of the KIF1B gene, results from an A to T substitution at nucleotide position 2425. The methionine at codon 809 is replaced by leucine, an amino acid with highly similar properties. This amino acid position is highly conserved in available vertebrate species. In addition, the in silico prediction for this alteration is inconclusive. Since supporting evidence is limited at this time, the clinical significance of this alteration remains unclear.

Labcorp Genetics (formerly Invitae), Labcorp
Classification: Uncertain significance for Charcot-Marie-Tooth disease type 2. Last evaluated: 2023-12-06. Review status: criteria provided, single submitter. Criteria: Invitae Variant Classification Sherloc (09022015). Collection method: clinical testing. Allele origin: germline.
Comment: This sequence change replaces methionine, which is neutral and non-polar, with leucine, which is neutral and non-polar, at codon 809 of the KIF1B protein (p.Met809Leu). This variant is present in population databases (rs781647232, gnomAD 0.0009%). This variant has not been reported in the literature in individuals affected with KIF1B-related conditions. ClinVar contains an entry for this variant (Variation ID: 1509972). Advanced modeling of protein sequence and biophysical properties (such as structural, functional, and spatial information, amino acid conservation, physicochemical variation, residue mobility, and thermodynamic stability) performed at Invitae indicates that this missense variant is not expected to disrupt KIF1B protein function with a negative predictive value of 80%. In summary, the available evidence is currently insufficient to determine the role of this variant in disease. Therefore, it has been classified as a Variant of Uncertain Significance.

NM_001365951.3(KIF1B):c.2563A>T (p.Met855Leu)

Gene: KIF1B (kinesin family member 1B; plus strand). Cytogenetic location: 1p36.22.
Variant type: single nucleotide variant.
Coding change: c.2563A>T on transcript NM_001365951.3 (MANE Select); coding-DNA position 2563, A replaced by T.
Protein change: p.Met855Leu; replaces methionine 855 with leucine.
Molecular consequence: missense variant.
Genome position (GRCh38, 1-based): chr1:10,324,783, A>T. VCF-style: chr1-10324783-A-T. GRCh37 (hg19) VCF-style: chr1-10384841-A-T.
Other names: c.2563A>T, p.Met855Leu (NM_001365952.1); c.2425A>T, p.Met809Leu (NM_015074.3); short protein forms M809L, M855L.
Identifiers: ClinVar variation 1509972 (VCV001509972.11), dbSNP rs781647232, ClinGen allele CA581557.
Genomic context (GRCh38, chr1:10,324,783, plus strand): 5'-ATATTAACCCAATGTGCTTTGTGTTTACTAAATAGGCAGAGGCTGGATTTGATGCGAGAG[A>T]TGTATGATAGGGCAGGGGAGATGGCCTCCAGTGCCCAAGACGAAAGCGAAACCACTGTGA-3'
Protein context (NP_001352880.1, residues 845-865): LKQRLDLMRE[Met855Leu]YDRAGEMASS